The following is an entry in ClinVar:

ClinVar aggregate classification (germline): Uncertain significance (1 of 4 stars; one submission).

Conditions:
PLOD3-related disorder. Also called: PLOD3-related condition.

Submission:

GeneDx
Classification: Uncertain significance. Last evaluated: 2024-11-10. Review status: criteria provided, single submitter. Criteria: GeneDx Variant Classification Process June 2021. Collection method: clinical testing. Allele origin: germline. Affected: yes.
Comment: Not observed at significant frequency in large population cohorts (gnomAD); In silico analysis supports that this missense variant has a deleterious effect on protein structure/function; Has not been previously published as pathogenic or benign to our knowledge

NM_001084.5(PLOD3):c.410T>G (p.Leu137Arg)

Gene: PLOD3 (procollagen-lysine,2-oxoglutarate 5-dioxygenase 3; minus strand). Cytogenetic location: 7q22.1.
Variant type: single nucleotide variant.
Coding change: c.410T>G on transcript NM_001084.5 (MANE Select); coding-DNA position 410, T replaced by G.
Protein change: p.Leu137Arg; replaces leucine 137 with arginine.
Molecular consequence: missense variant.
Genome position (GRCh38, 1-based): chr7:101,216,255, A>C on the plus strand (T>G on the coding strand, the complement: PLOD3 is on the minus strand). VCF-style: chr7-101216255-A-C. GRCh37 (hg19) VCF-style: chr7-100859536-A-C.
Other names: short protein forms L137R.
Identifiers: ClinVar variation 3899215 (VCV003899215.2).